The following is an entry in ClinVar:

ClinVar aggregate classification (germline): Likely benign. Review status: criteria provided, multiple submitters, no conflicts (2 of 4 stars). 2 submissions from 2 submitters: Likely benign (2). Last evaluated 2025-05-22.

Allele frequency attached by ClinVar (database versions not stated): gnomAD exomes 0.00006; 1000 Genomes Project 30x 0.00016; 1000 Genomes Project 0.00020; ExAC 0.00021; TOPMed 0.00066; gnomAD 0.00072; ESP Exome Variant Server 0.00092.
gnomAD v4.1: 193 of 1,613,150 alleles (0.012%); highest among the groups gnomAD compares: African/African-American, 0.25%; 1 homozygote.

Submissions (2):

Mayo Clinic Laboratories, Mayo Clinic
Classification: Likely benign. Last evaluated: 2025-05-22. Review status: criteria provided, single submitter. Criteria: ACMG Guidelines, 2015. Collection method: clinical testing. Allele origin: germline. Observed: 1 variant allele.
Comment: BP4, BP7

CeGaT Center for Human Genetics Tuebingen
Classification: Likely benign. Last evaluated: 2022-08-01. Review status: criteria provided, single submitter. Criteria: CeGaT Center For Human Genetics Tuebingen Variant Classification Criteria Version 2. Collection method: clinical testing. Allele origin: germline. Affected: yes. Observed: 1 variant allele.
Comment: LRP10: BP4, BP7

NM_014045.5(LRP10):c.345T>A (p.Thr115=)

Gene: LRP10 (LDL receptor related protein 10; plus strand). Cytogenetic location: 14q11.2.
Variant type: single nucleotide variant.
Coding change: c.345T>A on transcript NM_014045.5 (MANE Select); coding-DNA position 345, T replaced by A.
Protein change: p.Thr115=; no amino-acid change (threonine 115 retained).
Molecular consequence: synonymous variant.
Genome position (GRCh38, 1-based): chr14:22,875,184, T>A. VCF-style: chr14-22875184-T-A. GRCh37 (hg19) VCF-style: chr14-23344393-T-A.
Other names: p.Thr115=; c.345T>A, p.Thr115= (NM_001329226.2).
Identifiers: ClinVar variation 2644078 (VCV002644078.25), dbSNP rs140145674, ClinGen allele CA7105686.